The following is an entry in ClinVar:

ClinVar aggregate classification (germline): Uncertain significance (1 of 4 stars; one submission).

Submission:

CeGaT Center for Human Genetics Tuebingen
Classification: Uncertain significance. Last evaluated: 2022-08-01. Review status: criteria provided, single submitter. Criteria: CeGaT Center For Human Genetics Tuebingen Variant Classification Criteria Version 2. Collection method: clinical testing. Allele origin: germline. Affected: yes. Observed: 1 variant allele.
Comment: NBEA: PM2, BP4

NM_001385012.1(NBEA):c.4979C>T (p.Pro1660Leu)

Gene: NBEA (neurobeachin; plus strand). Cytogenetic location: 13q13.3.
Variant type: single nucleotide variant.
Coding change: c.4979C>T on transcript NM_001385012.1 (MANE Select); coding-DNA position 4979, C replaced by T.
Protein change: p.Pro1660Leu; replaces proline 1660 with leucine.
Molecular consequence: missense variant.
Genome position (GRCh38, 1-based): chr13:35,195,915, C>T. VCF-style: chr13-35195915-C-T. GRCh37 (hg19) VCF-style: chr13-35770052-C-T.
Other names: c.4970C>T, p.Pro1657Leu (NM_001379245.1); c.4979C>T, p.Pro1660Leu (NM_015678.5); short protein forms P1657L, P1660L.
Identifiers: ClinVar variation 2643751 (VCV002643751.24), dbSNP rs2504147294, ClinGen allele CA387833758.